The following is an entry in ClinVar:

ClinVar aggregate classification (germline): Uncertain significance (1 of 4 stars; one submission).

Conditions:
Epilepsy, childhood absence, susceptibility to, 5. Identifiers: Orphanet 64280, MedGen C2677087, MONDO:0012843, OMIM 612269.
Epilepsy, childhood absence, susceptibility to, 1. Also called: Epilepsy, childhood absence 1. Identifiers: Orphanet 64280, MedGen C1838604, MONDO:0020759, OMIM 600131.

Submission:

Labcorp Genetics (formerly Invitae), Labcorp
Classification: Uncertain significance for Epilepsy, childhood absence, susceptibility to, 5; Epilepsy, childhood absence, susceptibility to, 1. Last evaluated: 2022-09-23. Review status: criteria provided, single submitter. Criteria: Invitae Variant Classification Sherloc (09022015). Collection method: clinical testing. Allele origin: germline.
Comment: This sequence change replaces aspartic acid, which is acidic and polar, with valine, which is neutral and non-polar, at codon 188 of the GABRB3 protein (p.Asp188Val). This variant is not present in population databases (gnomAD no frequency). This variant has not been reported in the literature in individuals affected with GABRB3-related conditions. Advanced modeling of protein sequence and biophysical properties (such as structural, functional, and spatial information, amino acid conservation, physicochemical variation, residue mobility, and thermodynamic stability) performed at Invitae indicates that this missense variant is expected to disrupt GABRB3 protein function. In summary, the available evidence is currently insufficient to determine the role of this variant in disease. Therefore, it has been classified as a Variant of Uncertain Significance.

NM_000814.6(GABRB3):c.563A>T (p.Asp188Val)

Gene: GABRB3 (gamma-aminobutyric acid type A receptor subunit beta3; minus strand). Cytogenetic location: 15q12.
Variant type: single nucleotide variant.
Coding change: c.563A>T on transcript NM_000814.6 (MANE Select); coding-DNA position 563, A replaced by T.
Protein change: p.Asp188Val; replaces aspartic acid 188 with valine.
Molecular consequence: missense variant.
Genome position (GRCh38, 1-based): chr15:26,580,438, T>A on the plus strand (A>T on the coding strand, the complement: GABRB3 is on the minus strand). VCF-style: chr15-26580438-T-A. GRCh37 (hg19) VCF-style: chr15-26825585-T-A.
Other names: c.308A>T, p.Asp103Val (NM_001191320.2, NM_001278631.2); c.350A>T, p.Asp117Val (NM_001191321.3); c.563A>T, p.Asp188Val (NM_021912.5); short protein forms D103V, D117V, D188V.
Identifiers: ClinVar variation 1720223 (VCV001720223.5), dbSNP rs2504205344, ClinGen allele CA391464195.
Genomic context (GRCh38, chr15:26,580,438, plus strand): 5'-AGCTCAATCCTTTCCACTCCGGTAACAGCCTTGTCCCCGCCTCGCCAGTAAAACTCAATG[T>A]CATCCGTGGTGTAGCCATCTGCCAAGAGAGAAGCAGGGAGACAGCAAACATCACCATTTC-3'
Protein context (NP_000805.1, residues 178-198): EIESYGYTTD[Asp188Val]IEFYWRGGDK